The following is an entry in ClinVar:

ClinVar aggregate classification (germline): Uncertain significance (1 of 4 stars; one submission).

Conditions:
Paget disease of bone 2, early-onset (PDB2). Also called: Paget disease of bone 2. Identifiers: MedGen C4085251, MONDO:0011183, OMIM 602080.
Frontotemporal dementia and/or amyotrophic lateral sclerosis 1 (FTDALS1). Also called: Frontotemporal dementia with motor neuron disease 1; C9orf72 Frontotemporal Dementia and/or Amyotrophic Lateral Sclerosis. Identifiers: Orphanet 275872, MedGen C5779877, MONDO:0007105, OMIM 105550.

Submission:

Labcorp Genetics (formerly Invitae), Labcorp
Classification: Uncertain significance for Paget disease of bone 2, early-onset; Frontotemporal dementia and/or amyotrophic lateral sclerosis 1. Last evaluated: 2022-04-12. Review status: criteria provided, single submitter. Criteria: Invitae Variant Classification Sherloc (09022015). Collection method: clinical testing. Allele origin: germline.
Comment: In summary, the available evidence is currently insufficient to determine the role of this variant in disease. Therefore, it has been classified as a Variant of Uncertain Significance. Algorithms developed to predict the effect of missense changes on protein structure and function are either unavailable or do not agree on the potential impact of this missense change (SIFT: "Tolerated"; PolyPhen-2: "Probably Damaging"; Align-GVGD: "Class C0"). This variant has not been reported in the literature in individuals affected with SQSTM1-related conditions. This variant is not present in population databases (gnomAD no frequency). This sequence change replaces aspartic acid, which is acidic and polar, with asparagine, which is neutral and polar, at codon 71 of the SQSTM1 protein (p.Asp71Asn).

NM_003900.5(SQSTM1):c.211G>A (p.Asp71Asn)

Gene: SQSTM1 (sequestosome 1; plus strand). Cytogenetic location: 5q35.3.
Variant type: single nucleotide variant.
Coding change: c.211G>A on transcript NM_003900.5 (MANE Select); coding-DNA position 211, G replaced by A.
Protein change: p.Asp71Asn; replaces aspartic acid 71 with asparagine.
Molecular consequence: missense variant. On other transcripts: 5 prime UTR variant (2).
Genome position (GRCh38, 1-based): chr5:179,822,963, G>A. VCF-style: chr5-179822963-G-A. GRCh37 (hg19) VCF-style: chr5-179249963-G-A.
Other names: c.-42G>A (NM_001142298.2, NM_001142299.2); short protein forms D71N.
Identifiers: ClinVar variation 2125462 (VCV002125462.4), dbSNP rs2480208614, ClinGen allele CA362442969.